The following is an entry in ClinVar:

ClinVar aggregate classification (germline): Uncertain significance (1 of 4 stars; one submission).

Conditions:
Melnick-Needles syndrome (MNS). Also called: MELNICK-NEEDLES OSTEODYSPLASTY; OSTEODYSPLASTY OF MELNICK AND NEEDLES; Melnick-Needles Syndrome (FLNA-MNS). Identifiers: Orphanet 2484, MedGen C0025237, MONDO:0010650, OMIM 309350.
Frontometaphyseal dysplasia (FMD1). Identifiers: Orphanet 1826, MedGen C0265293, MONDO:0015942.
Heterotopia, periventricular, X-linked dominant (PVNH1). Also called: PERIVENTRICULAR NODULAR HETEROTOPIA 1; X-linked periventricular heterotopia; PERIVENTRICULAR NODULAR HETEROTOPIA 4; HETEROTOPIA, PERIVENTRICULAR, 1. Identifiers: Orphanet 2149, Orphanet 82004, MedGen C1848213, MONDO:0010233, OMIM 300049.
Oto-palato-digital syndrome, type II (OPD2). Also called: FACIOPALATOOSSEOUS SYNDROME; OPD II SYNDROME; Otopalatodigital Syndrome, Type II; Otopalatodigital Syndrome Type 2 (FLNA-OPD2). Identifiers: Orphanet 669, Orphanet 90652, MedGen C1844696, MONDO:0010571, OMIM 304120.

Submission:

Labcorp Genetics (formerly Invitae), Labcorp
Classification: Uncertain significance for Oto-palato-digital syndrome, type II; Heterotopia, periventricular, X-linked dominant; Frontometaphyseal dysplasia; Melnick-Needles syndrome. Last evaluated: 2025-05-02. Review status: criteria provided, single submitter. Criteria: Invitae Variant Classification Sherloc (09022015). Collection method: clinical testing. Allele origin: germline.
Comment: This sequence change replaces asparagine, which is neutral and polar, with lysine, which is basic and polar, at codon 1242 of the FLNA protein (p.Asn1242Lys). This variant is not present in population databases (gnomAD no frequency). This variant has not been reported in the literature in individuals affected with FLNA-related conditions. ClinVar contains an entry for this variant (Variation ID: 3748782). Invitae Evidence Modeling of protein sequence and biophysical properties (such as structural, functional, and spatial information, amino acid conservation, physicochemical variation, residue mobility, and thermodynamic stability) indicates that this missense variant is not expected to disrupt FLNA protein function with a negative predictive value of 95%. In summary, the available evidence is currently insufficient to determine the role of this variant in disease. Therefore, it has been classified as a Variant of Uncertain Significance.

NM_001110556.2(FLNA):c.3726C>G (p.Asn1242Lys)

Gene: FLNA (filamin A; minus strand). Cytogenetic location: Xq28.
Variant type: single nucleotide variant.
Coding change: c.3726C>G on transcript NM_001110556.2 (MANE Select); coding-DNA position 3726, C replaced by G.
Protein change: p.Asn1242Lys; replaces asparagine 1242 with lysine.
Molecular consequence: missense variant.
Genome position (GRCh38, 1-based): chrX:154,360,069, G>C on the plus strand (C>G on the coding strand, the complement: FLNA is on the minus strand). VCF-style: chrX-154360069-G-C. GRCh37 (hg19) VCF-style: chrX-153588437-G-C.
Other names: c.3726C>G, p.Asn1242Lys (NM_001456.4); short protein forms N1242K.
Identifiers: ClinVar variation 3748782 (VCV003748782.2).